The following is an entry in ClinVar:

ClinVar aggregate classification (germline): Uncertain significance (1 of 4 stars; one submission).

Conditions:
Inborn genetic diseases. Identifiers: MedGen C0950123, MeSH D030342.

Submission:

Ambry Genetics
Classification: Uncertain significance for Inborn genetic diseases. Last evaluated: 2026-02-23. Review status: criteria provided, single submitter. Criteria: Ambry Variant Classification Scheme 2023. Collection method: clinical testing. Allele origin: germline.
Comment: The p.R363T variant (also known as c.1088G>C), located in coding exon 6 of the WT1 gene, results from a G to C substitution at nucleotide position 1088. The arginine at codon 363 is replaced by threonine, an amino acid with similar properties. This amino acid position is highly conserved in available vertebrate species. In addition, this alteration is predicted to be deleterious by in silico analysis. Based on the available evidence, the clinical significance of this variant remains unclear.

NM_024426.6(WT1):c.1103G>C (p.Arg368Thr)

Gene: WT1 (WT1 transcription factor; minus strand). Cytogenetic location: 11p13.
Variant type: single nucleotide variant.
Coding change: c.1103G>C on transcript NM_024426.6 (MANE Select); coding-DNA position 1103, G replaced by C.
Protein change: p.Arg368Thr; replaces arginine 368 with threonine.
Molecular consequence: missense variant. On other transcripts: 5 prime UTR variant (1), non-coding transcript variant (2).
Genome position (GRCh38, 1-based): chr11:32,399,958, C>G on the plus strand (G>C on the coding strand, the complement: WT1 is on the minus strand). VCF-style: chr11-32399958-C-G. GRCh37 (hg19) VCF-style: chr11-32421504-C-G.
Other names: c.1052G>C, p.Arg351Thr (NM_000378.6, NM_001407045.1, NM_001407048.1 and 1 more transcripts); c.452G>C, p.Arg151Thr (NM_001198551.2); c.401G>C, p.Arg134Thr (NM_001198552.2); c.-86G>C (NM_001367854.1); c.1097G>C, p.Arg366Thr (NM_001407044.1); c.1103G>C, p.Arg368Thr (NM_001407046.1, NM_024424.5); c.980G>C, p.Arg327Thr (NM_001407047.1); c.929G>C, p.Arg310Thr (NM_001407050.1); and 3 more; short protein forms R278T, R363T, R368T, R134T, R351T, R295T, R310T, R366T.
Identifiers: ClinVar variation 4825403 (VCV004825403.1).
Genomic context (GRCh38, chr11:32,399,958, plus strand): 5'-GGAAGAGGCAGTGCGGCCCCCTTCCCGCTGGGGCCTGTCTGTGTGCTCACCTGAATGCCT[C>G]TGAAGACACCGTGCGTGTGTATTCTGTATTGGGCTCCGCAGAGGATGGGCGTTGTGTGGT-3'
Protein context (NP_077744.4, residues 358-378): QYRIHTHGVF[Arg368Thr]GIQDVRRVPG